The following is an entry in ClinVar:

NM_001195263.2(PDZD7):c.393C>A (p.Asp131Glu)

Gene: PDZD7 (PDZ domain containing 7; minus strand). Cytogenetic location: 10q24.31.
Variant type: single nucleotide variant.
Coding change: c.393C>A on transcript NM_001195263.2 (MANE Select); coding-DNA position 393, C replaced by A.
Protein change: p.Asp131Glu; replaces aspartic acid 131 with glutamic acid.
Molecular consequence: missense variant.
Genome position (GRCh38, 1-based): chr10:101,023,585, G>T on the plus strand (C>A on the coding strand, the complement: PDZD7 is on the minus strand). VCF-style: chr10-101023585-G-T. GRCh37 (hg19) VCF-style: chr10-102783342-G-T.
Other names: c.393C>A, p.Asp131Glu (NM_001351044.2, NM_024895.5); short protein forms D131E.
Identifiers: ClinVar variation 1512000 (VCV001512000.8), dbSNP rs2134101028, ClinGen allele CA378230777.

ClinVar aggregate classification (germline): Uncertain significance (1 of 4 stars; one submission).

gnomAD v4.1: 4 of 1,613,228 alleles (0.00025%); highest among the groups gnomAD compares: Non-Finnish European, 0.00025%; no homozygotes.

Submission:

Labcorp Genetics (formerly Invitae), Labcorp
Classification: Uncertain significance. Last evaluated: 2022-07-01. Review status: criteria provided, single submitter. Criteria: Invitae Variant Classification Sherloc (09022015). Collection method: clinical testing. Allele origin: germline.
Comment: In summary, the available evidence is currently insufficient to determine the role of this variant in disease. Therefore, it has been classified as a Variant of Uncertain Significance. Algorithms developed to predict the effect of missense changes on protein structure and function are either unavailable or do not agree on the potential impact of this missense change (SIFT: "Deleterious"; PolyPhen-2: "Not Available"; Align-GVGD: "Class C35"). ClinVar contains an entry for this variant (Variation ID: 1512000). This variant has not been reported in the literature in individuals affected with PDZD7-related conditions. This variant is not present in population databases (gnomAD no frequency). This sequence change replaces aspartic acid, which is acidic and polar, with glutamic acid, which is acidic and polar, at codon 131 of the PDZD7 protein (p.Asp131Glu).